The following is an entry in ClinVar:

ClinVar aggregate classification (germline): Uncertain significance. Review status: criteria provided, multiple submitters, no conflicts (2 of 4 stars). 2 submissions from 2 submitters: Uncertain significance (2). Last evaluated 2024-10-24.

Conditions:
Charcot-Marie-Tooth disease type 4. Also called: Charcot-Marie-Tooth, Type 4; Charcot-Marie-Tooth disease, type IV. Identifiers: Orphanet 64749, MedGen C4082197, MONDO:0018995.
Inborn genetic diseases. Identifiers: MedGen C0950123, MeSH D030342.

Submissions (2):

Labcorp Genetics (formerly Invitae), Labcorp
Classification: Uncertain significance for Charcot-Marie-Tooth disease type 4. Last evaluated: 2024-10-24. Review status: criteria provided, single submitter. Criteria: Invitae Variant Classification Sherloc (09022015). Collection method: clinical testing. Allele origin: germline.
Comment: This sequence change replaces aspartic acid, which is acidic and polar, with valine, which is neutral and non-polar, at codon 116 of the NDRG1 protein (p.Asp116Val). This variant is not present in population databases (gnomAD no frequency). This variant has not been reported in the literature in individuals affected with NDRG1-related conditions. ClinVar contains an entry for this variant (Variation ID: 1519494). Invitae Evidence Modeling of protein sequence and biophysical properties (such as structural, functional, and spatial information, amino acid conservation, physicochemical variation, residue mobility, and thermodynamic stability) indicates that this missense variant is expected to disrupt NDRG1 protein function with a positive predictive value of 80%. In summary, the available evidence is currently insufficient to determine the role of this variant in disease. Therefore, it has been classified as a Variant of Uncertain Significance.

Ambry Genetics
Classification: Uncertain significance for Inborn genetic diseases. Last evaluated: 2021-06-23. Review status: criteria provided, single submitter. Criteria: Ambry Variant Classification Scheme 2023. Collection method: clinical testing. Allele origin: germline.
Comment: The p.D116V variant (also known as c.347A>T), located in coding exon 5 of the NDRG1 gene, results from an A to T substitution at nucleotide position 347. The aspartic acid at codon 116 is replaced by valine, an amino acid with highly dissimilar properties. This amino acid position is highly conserved in available vertebrate species. In addition, this alteration is predicted to be deleterious by in silico analysis. Since supporting evidence is limited at this time, the clinical significance of this alteration remains unclear.

NM_006096.4(NDRG1):c.347A>T (p.Asp116Val)

Gene: NDRG1 (N-myc downstream regulated 1; minus strand). Cytogenetic location: 8q24.22.
Variant type: single nucleotide variant.
Coding change: c.347A>T on transcript NM_006096.4 (MANE Select); coding-DNA position 347, A replaced by T.
Protein change: p.Asp116Val; replaces aspartic acid 116 with valine.
Molecular consequence: missense variant.
Genome position (GRCh38, 1-based): chr8:133,259,210, T>A on the plus strand (A>T on the coding strand, the complement: NDRG1 is on the minus strand). VCF-style: chr8-133259210-T-A. GRCh37 (hg19) VCF-style: chr8-134271453-T-A.
Other names: c.347A>T, p.Asp116Val (NM_001135242.2, NM_001374844.1, NM_001374845.1 and 1 more transcripts); c.149A>T, p.Asp50Val (NM_001258432.2, NM_001374847.1); c.104A>T, p.Asp35Val (NM_001258433.2); short protein forms D116V, D35V, D50V.
Identifiers: ClinVar variation 1519494 (VCV001519494.7), dbSNP rs2130727469, ClinGen allele CA372256077.